The following is an entry in ClinVar:

NM_000548.5(TSC2):c.3419G>T (p.Gly1140Val)

Gene: TSC2 (TSC complex subunit 2; plus strand). Cytogenetic location: 16p13.3.
Variant type: single nucleotide variant.
Coding change: c.3419G>T on transcript NM_000548.5 (MANE Select); coding-DNA position 3419, G replaced by T.
Protein change: p.Gly1140Val; replaces glycine 1140 with valine.
Molecular consequence: missense variant.
Genome position (GRCh38, 1-based): chr16:2,080,186, G>T. VCF-style: chr16-2080186-G-T. GRCh37 (hg19) VCF-style: chr16-2130187-G-T.
Other names: c.3287G>T, p.Gly1096Val (NM_001077183.3, NM_001370404.1); c.3419G>T, p.Gly1140Val (NM_001114382.3); c.3179G>T, p.Gly1060Val (NM_001318827.2); c.3143G>T, p.Gly1048Val (NM_001318829.2); c.2687G>T, p.Gly896Val (NM_001318831.2); c.3320G>T, p.Gly1107Val (NM_001318832.2); c.3290G>T, p.Gly1097Val (NM_001363528.2, NM_001370405.1, NM_021055.3); short protein forms G1107V, G1140V, G896V, G1048V, G1097V, G1060V, G1096V.
Identifiers: ClinVar variation 1346702 (VCV001346702.8), dbSNP rs2089954788, ClinGen allele CA394288504.

ClinVar aggregate classification (germline): Uncertain significance (1 of 4 stars; one submission).

Conditions:
Tuberous sclerosis 2 (TSC2). Identifiers: Orphanet 805, MedGen C1860707, MONDO:0013199, OMIM 613254.

Submission:

Labcorp Genetics (formerly Invitae), Labcorp
Classification: Uncertain significance for Tuberous sclerosis 2. Last evaluated: 2025-03-07. Review status: criteria provided, single submitter. Criteria: Invitae Variant Classification Sherloc (09022015). Collection method: clinical testing. Allele origin: germline.
Comment: This sequence change replaces glycine, which is neutral and non-polar, with valine, which is neutral and non-polar, at codon 1140 of the TSC2 protein (p.Gly1140Val). This variant is not present in population databases (gnomAD no frequency). This variant has not been reported in the literature in individuals affected with TSC2-related conditions. ClinVar contains an entry for this variant (Variation ID: 1346702). Invitae Evidence Modeling of protein sequence and biophysical properties (such as structural, functional, and spatial information, amino acid conservation, physicochemical variation, residue mobility, and thermodynamic stability) indicates that this missense variant is not expected to disrupt TSC2 protein function with a negative predictive value of 95%. In summary, the available evidence is currently insufficient to determine the role of this variant in disease. Therefore, it has been classified as a Variant of Uncertain Significance.